The following is an entry in ClinVar:

ClinVar aggregate classification (germline): Pathogenic (1 of 4 stars; one submission).

Conditions:
Autosomal recessive limb-girdle muscular dystrophy. Identifiers: Orphanet 102015, MedGen C2931907, MONDO:0015152.

Submission:

Women's Health and Genetics/Laboratory Corporation of America, LabCorp
Classification: Pathogenic for Autosomal recessive limb-girdle muscular dystrophy. Last evaluated: 2024-01-23. Review status: criteria provided, single submitter. Criteria: LabCorp Variant Classification Summary - May 2015. Collection method: clinical testing. Allele origin: germline.
Comment: Variant summary: FKRP c.1306_1307dupCG (p.Gln437GlyfsX54) results in a premature termination codon, predicted to cause a truncation of the encoded protein, which is a commonly known mechanism for disease. At least three pathogenic variant downstream of this position (c.1433T>C p.Ile478Thr, c.1387A>G p.Asn463Asp, c.1384C>T p.Pro462Ser.) have been associated with disease at our lab. The variant was absent in 233322 control chromosomes. To our knowledge, no occurrence of c.1306_1307dupCG in individuals affected with Limb-Girdle Muscular Dystrophy, Autosomal Recessive and no experimental evidence demonstrating its impact on protein function have been reported. No submitters have cited clinical-significance assessments for this variant to ClinVar. Based on the evidence outlined above, the variant was classified as pathogenic.

NM_024301.5(FKRP):c.1306_1307dup (p.Gln437fs)

Gene: FKRP (fukutin related protein; plus strand). Cytogenetic location: 19q13.32.
Variant type: Duplication.
Coding change: c.1306_1307dup on transcript NM_024301.5 (MANE Select); coding-DNA positions 1306 to 1307, 2 bases duplicated (CG; older notation c.1306_1307dupCG).
Protein change: p.Gln437fs; shifts the reading frame from glutamine 437.
Molecular consequence: frameshift variant.
Genome position (GRCh38, 1-based): chr19:46,756,756-46,756,757, CG duplicated. VCF-style (leftmost placement, unchanged base first): chr19-46756755-C-CCG. GRCh37 (hg19) VCF-style: chr19-47260012-C-CCG.
Other names: c.1306_1307dup, p.Gln437fs (NM_001039885.3); c.1306_1307dupCG (NM_024301.5); short protein forms Q437fs.
Identifiers: ClinVar variation 3063660 (VCV003063660.1), dbSNP rs2513998901, ClinGen allele CA2740096943.